The following is an entry in ClinVar:

ClinVar aggregate classification (germline): Uncertain significance. Review status: criteria provided, multiple submitters, no conflicts (2 of 4 stars). 3 submissions from 3 submitters: Uncertain significance (3). Last evaluated 2026-05-26.

Conditions:
Inborn genetic diseases. Identifiers: MedGen C0950123, MeSH D030342.
Familial cold autoinflammatory syndrome 2 (FCAS2). Identifiers: Orphanet 247868, MedGen C2673198, MONDO:0012724, OMIM 611762.

gnomAD v4.1: 16 of 1,613,516 alleles (0.00099%); highest among the groups gnomAD compares: Non-Finnish European, 0.0014%; no homozygotes.

Submissions (3):

Ambry Genetics
Classification: Uncertain significance for Inborn genetic diseases. Last evaluated: 2026-05-26. Review status: criteria provided, single submitter. Criteria: Ambry Variant Classification Scheme 2023. Collection method: clinical testing. Allele origin: germline.

Labcorp Genetics (formerly Invitae), Labcorp
Classification: Uncertain significance for Familial cold autoinflammatory syndrome 2. Last evaluated: 2025-09-28. Review status: criteria provided, single submitter. Criteria: Invitae Variant Classification Sherloc (09022015). Collection method: clinical testing. Allele origin: germline.
Comment: This sequence change replaces leucine, which is neutral and non-polar, with proline, which is neutral and non-polar, at codon 880 of the NLRP12 protein (p.Leu880Pro). This variant is present in population databases (no rsID available, gnomAD 0.0009%). This variant has not been reported in the literature in individuals affected with NLRP12-related conditions. ClinVar contains an entry for this variant (Variation ID: 3710307). An algorithm developed to predict the effect of missense changes on protein structure and function (PolyPhen-2) suggests that this variant is likely to be disruptive. In summary, the available evidence is currently insufficient to determine the role of this variant in disease. Therefore, it has been classified as a Variant of Uncertain Significance.

Blueprint Genetics
Classification: Uncertain significance. Last evaluated: 2022-08-08. Review status: criteria provided, single submitter. Criteria: ACMG Guidelines, 2015. Collection method: clinical testing. Allele origin: germline.

NM_144687.4(NLRP12):c.2639T>C (p.Leu880Pro)

Gene: NLRP12 (NLR family pyrin domain containing 12; minus strand). Cytogenetic location: 19q13.42.
Variant type: single nucleotide variant.
Coding change: c.2639T>C on transcript NM_144687.4 (MANE Select); coding-DNA position 2639, T replaced by C.
Protein change: p.Leu880Pro; replaces leucine 880 with proline.
Molecular consequence: missense variant.
Genome position (GRCh38, 1-based): chr19:53,801,344, A>G on the plus strand (T>C on the coding strand, the complement: NLRP12 is on the minus strand). VCF-style: chr19-53801344-A-G. GRCh37 (hg19) VCF-style: chr19-54304598-A-G.
Other names: c.2642T>C, p.Leu881Pro (NM_001277126.2); c.2639T>C, p.Leu880Pro (NM_001277129.1); c.2639T>C (NM_144687.2); short protein forms L880P, L881P.
Identifiers: ClinVar variation 3710307 (VCV003710307.4).